The following is an entry in ClinVar:

NM_002292.4(LAMB2):c.1901A>C (p.Gln634Pro)

Gene: LAMB2 (laminin subunit beta 2; minus strand). Cytogenetic location: 3p21.31.
Variant type: single nucleotide variant.
Coding change: c.1901A>C on transcript NM_002292.4 (MANE Select); coding-DNA position 1901, A replaced by C.
Protein change: p.Gln634Pro; replaces glutamine 634 with proline.
Molecular consequence: missense variant.
Genome position (GRCh38, 1-based): chr3:49,128,575, T>G on the plus strand (A>C on the coding strand, the complement: LAMB2 is on the minus strand). VCF-style: chr3-49128575-T-G. GRCh37 (hg19) VCF-style: chr3-49166008-T-G.
Other names: short protein forms Q634P.
Identifiers: ClinVar variation 1998218 (VCV001998218.4), dbSNP rs2045445890, ClinGen allele CA352731839.

ClinVar aggregate classification (germline): Uncertain significance (1 of 4 stars; one submission).

Conditions:
Pierson syndrome. Also called: MICROCORIA-CONGENITAL NEPHROTIC SYNDROME. Identifiers: Orphanet 2670, MedGen C1836876, MONDO:0012184, OMIM 609049.
LAMB2-related infantile-onset nephrotic syndrome. Also called: Nephrotic Syndrome, type 5; NEPHROTIC SYNDROME, TYPE 5, WITHOUT OCULAR ABNORMALITIES; NEPHROTIC SYNDROME, TYPE 5, WITH OCULAR ABNORMALITIES. Identifiers: Orphanet 306507, MedGen C3280113, MONDO:0013621, OMIM 614199.

Submission:

Labcorp Genetics (formerly Invitae), Labcorp
Classification: Uncertain significance for LAMB2-related infantile-onset nephrotic syndrome; Pierson syndrome. Last evaluated: 2022-05-24. Review status: criteria provided, single submitter. Criteria: Invitae Variant Classification Sherloc (09022015). Collection method: clinical testing. Allele origin: germline.
Comment: This variant has not been reported in the literature in individuals affected with LAMB2-related conditions. This variant is not present in population databases (gnomAD no frequency). This sequence change replaces glutamine, which is neutral and polar, with proline, which is neutral and non-polar, at codon 634 of the LAMB2 protein (p.Gln634Pro). In summary, the available evidence is currently insufficient to determine the role of this variant in disease. Therefore, it has been classified as a Variant of Uncertain Significance. Algorithms developed to predict the effect of missense changes on protein structure and function (SIFT, PolyPhen-2, Align-GVGD) all suggest that this variant is likely to be tolerated.